The following is an entry in ClinVar:

ClinVar aggregate classification (germline): Uncertain significance (1 of 4 stars; one submission).

Submission:

Women's Health and Genetics/Laboratory Corporation of America, LabCorp
Classification: Uncertain significance. Last evaluated: 2025-12-22. Review status: criteria provided, single submitter. Criteria: LabCorp Variant Classification Summary - May 2015. Collection method: clinical testing. Allele origin: germline.
Comment: Variant summary: HSD17B4 c.530C>T (p.Ser177Phe) results in a non-conservative amino acid change in the encoded protein sequence. Algorithms developed to predict the effect of missense changes on protein structure and function all suggest that this variant is likely to be disruptive. The variant was absent in 251078 control chromosomes (gnomAD). c.530C>T has been observed in at least one individual affected with D-Bifunctional Protein Deficiency (Paton_2000, Moller_2001). These data indicate that the variant may be associated with disease. To our knowledge, no experimental evidence demonstrating an impact on protein function has been reported. The following publications have been ascertained in the context of this evaluation (PMID: 16385454, 11165012, 11330053). No submitters have cited clinical-significance assessments for this variant to ClinVar. Based on the evidence outlined above, the variant was classified as VUS-possibly pathogenic.

Literature cited by the submitters: PubMed 16385454; PubMed 11165012; PubMed 11330053.

NM_000414.4(HSD17B4):c.530C>T (p.Ser177Phe)

Gene: HSD17B4 (hydroxysteroid 17-beta dehydrogenase 4; plus strand). Cytogenetic location: 5q23.1.
Variant type: single nucleotide variant.
Coding change: c.530C>T on transcript NM_000414.4 (MANE Select); coding-DNA position 530, C replaced by T.
Protein change: p.Ser177Phe; replaces serine 177 with phenylalanine.
Molecular consequence: missense variant. On other transcripts: non-coding transcript variant (2).
Genome position (GRCh38, 1-based): chr5:119,478,929, C>T. VCF-style: chr5-119478929-C-T. GRCh37 (hg19) VCF-style: chr5-118814624-C-T.
Other names: c.605C>T, p.Ser202Phe (NM_001199291.3); c.476C>T, p.Ser159Phe (NM_001199292.2); c.458C>T, p.Ser153Phe (NM_001292027.2); c.110C>T, p.Ser37Phe (NM_001292028.2); c.521C>T, p.Ser174Phe (NM_001374497.1); c.530C>T, p.Ser177Phe (NM_001374498.1); c.203C>T, p.Ser68Phe (NM_001374499.1); c.89C>T, p.Ser30Phe (NM_001374500.1); and 1 more; short protein forms S153F, S159F, S174F, S177F, S202F, S30F, S37F, S40F.
Identifiers: ClinVar variation 4688920 (VCV004688920.1).